The following is an entry in ClinVar:

ClinVar aggregate classification (germline): Uncertain significance (1 of 4 stars; one submission).

Conditions:
Inborn genetic diseases. Identifiers: MedGen C0950123, MeSH D030342.

Submission:

Ambry Genetics
Classification: Uncertain significance for Inborn genetic diseases. Last evaluated: 2020-12-29. Review status: criteria provided, single submitter. Criteria: Ambry Variant Classification Scheme 2023. Collection method: clinical testing. Allele origin: germline.
Comment: The p.I3547S variant (also known as c.10640T>G), located in coding exon 56 of the DYNC1H1 gene, results from a T to G substitution at nucleotide position 10640. The isoleucine at codon 3547 is replaced by serine, an amino acid with dissimilar properties. This amino acid position is highly conserved in available vertebrate species. In addition, the in silico prediction for this alteration is inconclusive. Since supporting evidence is limited at this time, the clinical significance of this alteration remains unclear.

NM_001376.5(DYNC1H1):c.10640T>G (p.Ile3547Ser)

Gene: DYNC1H1 (dynein cytoplasmic 1 heavy chain 1; plus strand). Cytogenetic location: 14q32.31.
Variant type: single nucleotide variant.
Coding change: c.10640T>G on transcript NM_001376.5 (MANE Select); coding-DNA position 10640, T replaced by G.
Protein change: p.Ile3547Ser; replaces isoleucine 3547 with serine.
Molecular consequence: missense variant.
Genome position (GRCh38, 1-based): chr14:102,034,338, T>G. VCF-style: chr14-102034338-T-G. GRCh37 (hg19) VCF-style: chr14-102500675-T-G.
Other names: short protein forms I3547S.
Identifiers: ClinVar variation 1781172 (VCV001781172.2), dbSNP rs766845861, ClinGen allele CA391027983.